The following is an entry in ClinVar:

NM_001291415.2(KDM6A):c.1636A>T (p.Met546Leu)

Gene: KDM6A (lysine demethylase 6A; plus strand). Cytogenetic location: Xp11.3.
Variant type: single nucleotide variant.
Coding change: c.1636A>T on transcript NM_001291415.2 (MANE Select); coding-DNA position 1636, A replaced by T.
Protein change: p.Met546Leu; replaces methionine 546 with leucine.
Molecular consequence: missense variant. On other transcripts: intron variant (6).
Genome position (GRCh38, 1-based): chrX:45,062,701, A>T. VCF-style: chrX-45062701-A-T. GRCh37 (hg19) VCF-style: chrX-44921946-A-T.
Other names: c.1501A>T, p.Met501Leu (NM_001291416.2, NM_001419811.1); c.1345A>T, p.Met449Leu (NM_001291417.2); c.592A>T, p.Met198Leu (NM_001291421.2); c.1636A>T, p.Met546Leu (NM_001419809.1); c.1480A>T, p.Met494Leu (NM_001419812.1, NM_021140.4); c.1582-721A>T (NM_001419810.1, NM_001419813.1); c.1426-721A>T (NM_001419814.1, NM_001410742.1); c.1291-721A>T (NM_001419815.1, NM_001291418.2); short protein forms M198L, M449L, M494L, M501L, M546L.
Identifiers: ClinVar variation 3254796 (VCV003254796.1), dbSNP rs2522834148.

ClinVar aggregate classification (germline): Uncertain significance (1 of 4 stars; one submission).

Conditions:
Kabuki syndrome 2 (KABUK2). Also called: KDM6A-Related Kabuki Syndrome. Identifiers: Orphanet 2322, MedGen C3275495, MONDO:0010465, OMIM 300867.

Submission:

Victorian Clinical Genetics Services, Murdoch Childrens Research Institute
Classification: Uncertain significance for Kabuki syndrome 2. Last evaluated: 2023-07-17. Review status: criteria provided, single submitter. Criteria: ACMG Guidelines, 2015. Collection method: clinical testing. Allele origin: germline. Inheritance: X-linked dominant inheritance.
Comment: Based on the classification scheme VCGS_Germline_v1.3.4, this variant is classified as VUS-3B. Following criteria are met: 0102 - Loss of function is a known mechanism of disease in this gene and is associated with Kabuki syndrome 2 (MIM#300867). (I) 0110 - This gene is associated with X-linked dominant disease. (I) 0200 - Variant is predicted to result in a missense amino acid change from methionine to leucine. (I) 0251 - This variant is heterozygous. (I) 0301 - Variant is absent from gnomAD (both v2 and v3). (SP) 0309 - An alternative amino acid change at the same position has been observed in gnomAD (v3: 2 heterozygotes, 0 homozygotes, 0 hemizygotes). (I) 0503 - Missense variant consistently predicted to be tolerated by multiple in silico tools or not conserved in placental mammals with a minor amino acid change. (SB) 0604 - Variant is not located in an established domain, motif, hotspot or informative constraint region. (I) 0705 - No comparable missense variants have previous evidence for pathogenicity. (I) 0807 - This variant has no previous evidence of pathogenicity. (I) 0905 - No published segregation evidence has been identified for this variant. (I) 1007 - No published functional evidence has been identified for this variant. (I) Legend: (SP) - Supporting pathogenic, (I) - Information, (SB) - Supporting benign